The following is an entry in ClinVar:

ClinVar aggregate classification (germline): Uncertain significance (1 of 4 stars; one submission).

Allele frequency attached by ClinVar (database versions not stated): ExAC 0.00001; gnomAD 0.00001; gnomAD exomes 0.00001; TOPMed 0.00001.
gnomAD v4.1: 12 of 1,614,090 alleles (0.00074%); highest among the groups gnomAD compares: African/African-American, 0.004%; no homozygotes.

Submission:

Labcorp Genetics (formerly Invitae), Labcorp
Classification: Uncertain significance. Last evaluated: 2025-11-17. Review status: criteria provided, single submitter. Criteria: Invitae Variant Classification Sherloc (09022015). Collection method: clinical testing. Allele origin: germline.
Comment: This sequence change replaces glutamic acid, which is acidic and polar, with alanine, which is neutral and non-polar, at codon 749 of the ALPK1 protein (p.Glu749Ala). This variant is present in population databases (rs753472822, gnomAD 0.007%). This variant has not been reported in the literature in individuals affected with ALPK1-related conditions. ClinVar contains an entry for this variant (Variation ID: 2176948). Invitae Evidence Modeling of protein sequence and biophysical properties (such as structural, functional, and spatial information, amino acid conservation, physicochemical variation, residue mobility, and thermodynamic stability) indicates that this missense variant is not expected to disrupt ALPK1 protein function with a negative predictive value of 80%. In summary, the available evidence is currently insufficient to determine the role of this variant in disease. Therefore, it has been classified as a Variant of Uncertain Significance.

NM_025144.4(ALPK1):c.2246A>C (p.Glu749Ala)

Gene: ALPK1 (alpha kinase 1; plus strand). Cytogenetic location: 4q25.
Variant type: single nucleotide variant.
Coding change: c.2246A>C on transcript NM_025144.4 (MANE Select); coding-DNA position 2246, A replaced by C.
Protein change: p.Glu749Ala; replaces glutamic acid 749 with alanine.
Molecular consequence: missense variant.
Genome position (GRCh38, 1-based): chr4:112,431,793, A>C. VCF-style: chr4-112431793-A-C. GRCh37 (hg19) VCF-style: chr4-113352949-A-C.
Other names: c.2246A>C, p.Glu749Ala (NM_001102406.2); c.2012A>C, p.Glu671Ala (NM_001253884.2); short protein forms E671A, E749A.
Identifiers: ClinVar variation 2176948 (VCV002176948.4), dbSNP rs753472822, ClinGen allele CA3046881.